The following is an entry in ClinVar:

ClinVar aggregate classification (germline): Likely benign (0 of 4 stars; one submission).

Conditions:
TERF1-related disorder. Also called: TERF1-related condition.

Allele frequency attached by ClinVar (database versions not stated): gnomAD exomes 0.00023; ESP Exome Variant Server 0.00039; ExAC 0.00040; gnomAD 0.00042; 1000 Genomes Project 30x 0.00047; 1000 Genomes Project 0.00060; TOPMed 0.00079.
gnomAD v4.1: 425 of 1,577,418 alleles (0.027%); highest among the groups gnomAD compares: Middle Eastern, 0.33%; 1 homozygote.

Submission:

PreventionGenetics, part of Exact Sciences
Classification: Likely benign for TERF1-related condition. Last evaluated: 2019-05-24. Review status: no assertion criteria provided. Collection method: clinical testing. Allele origin: germline.
Comment: This variant is classified as likely benign based on ACMG/AMP sequence variant interpretation guidelines (Richards et al. 2015 PMID: 25741868, with internal and published modifications).

NM_017489.3(TERF1):c.744A>G (p.Leu248=)

Gene: TERF1 (telomeric repeat binding factor 1; plus strand). Cytogenetic location: 8q21.11.
Variant type: single nucleotide variant.
Coding change: c.744A>G on transcript NM_017489.3 (MANE Select); coding-DNA position 744, A replaced by G.
Protein change: p.Leu248=; no amino-acid change (leucine 248 retained).
Molecular consequence: synonymous variant. On other transcripts: non-coding transcript variant (4).
Genome position (GRCh38, 1-based): chr8:73,024,941, A>G. VCF-style: chr8-73024941-A-G. GRCh37 (hg19) VCF-style: chr8-73937176-A-G.
Other names: c.744A>G, p.Leu248= (NM_001410928.1, NM_001413364.1, NM_001413369.1 and 4 more transcripts); c.432A>G, p.Leu144= (NM_001413365.1, NM_001413366.1, NM_001413367.1 and 1 more transcripts); c.648A>G, p.Leu216= (NM_001413370.1, NM_001413372.1).
Identifiers: ClinVar variation 3043905 (VCV003043905.2), dbSNP rs144319719, ClinGen allele CA4782079.